The following is an entry in ClinVar:

NM_000129.4(F13A1):c.1184C>T (p.Ala395Val)

Gene: F13A1 (coagulation factor XIII A chain; minus strand). Cytogenetic location: 6p25.1.
Variant type: single nucleotide variant.
Coding change: c.1184C>T on transcript NM_000129.4 (MANE Select); coding-DNA position 1184, C replaced by T.
Protein change: p.Ala395Val; replaces alanine 395 with valine.
Molecular consequence: missense variant.
Genome position (GRCh38, 1-based): chr6:6,197,255, G>A on the plus strand (C>T on the coding strand, the complement: F13A1 is on the minus strand). VCF-style: chr6-6197255-G-A. GRCh37 (hg19) VCF-style: chr6-6197488-G-A.
Other names: short protein forms A395V.
Identifiers: ClinVar variation 911739 (VCV000911739.14), dbSNP rs76451285, ClinGen allele CA3624430.

ClinVar aggregate classification (germline): Conflicting classifications of pathogenicity. Review status: criteria provided, conflicting classifications (1 of 4 stars). 5 submissions from 5 submitters: Uncertain significance (1); Benign (1); Likely benign (3). Last evaluated 2025-11-07.

Conditions:
Thrombophilia due to thrombin defect (THPH1). Also called: Thrombosis susceptibility; THROMBOPHILIA DUE TO FACTOR 2 DEFECT; Prothrombin-Related Thrombophilia (Factor II); Prothrombin Thrombophilia. Identifiers: MedGen C3160733, MONDO:0008559, OMIM 188050. Disease mechanism: gain of function, loss of function.
F13A1-related disorder. Also called: F13A1-related condition.
Factor XIII, A subunit, deficiency of. Also called: Factor XIII subunit A deficiency. Identifiers: Orphanet 331, MedGen C2750514, MONDO:0013187, OMIM 613225, HP:0040233.

Allele frequency attached by ClinVar (database versions not stated): gnomAD 0.00008 and 0.00046; TOPMed 0.00015; gnomAD exomes 0.00054 and 0.00093; ExAC 0.00077; 1000 Genomes Project 30x 0.00281; 1000 Genomes Project 0.00359.
gnomAD v4.1: 1,380 of 1,614,186 alleles (0.085%); highest among the groups gnomAD compares: East Asian, 3%; 42 homozygotes.

Submissions (5):

PreventionGenetics, part of Exact Sciences
Classification: Likely benign for F13A1-related condition. Last evaluated: 2025-11-07. Review status: criteria provided, single submitter. Criteria: ACMG Guidelines, 2015. Collection method: clinical testing. Allele origin: germline.
Comment: This variant is classified as likely benign based on ACMG/AMP sequence variant interpretation guidelines (Richards et al. 2015 PMID: 25741868, with internal and published modifications).

Blueprint Genetics
Classification: Likely benign. Last evaluated: 2024-11-18. Review status: criteria provided, single submitter. Criteria: ACMG Guidelines, 2015. Collection method: clinical testing. Allele origin: germline.

Women's Health and Genetics/Laboratory Corporation of America, LabCorp
Classification: Benign. Last evaluated: 2023-07-12. Review status: criteria provided, single submitter. Criteria: LabCorp Variant Classification Summary - May 2015. Collection method: clinical testing. Allele origin: germline.
Comment: Variant summary: F13A1 c.1184C>T (p.Ala395Val) results in a non-conservative amino acid change located in the transglutaminase-like domain (IPR002931) of the encoded protein sequence. Four of five in-silico tools predict a benign effect of the variant on protein function. The variant allele was found at a frequency of 0.00054 in 251472 control chromosomes, predominantly at a frequency of 0.0071 within the East Asian subpopulation in the gnomAD database, including 2 homozygotes. In addition, the variant was reported in the Japanese with an allele frequency of 0.059, i.e. in 6,385 / 108,604 alleles, including 198 homozygotes (in the jMorp database; PMID: 33179747), strongly suggesting that the variant is benign. To our knowledge, no occurrence of c.1184C>T in individuals affected with Factor XIIIA Deficiency and no experimental evidence demonstrating its impact on protein function have been reported. Two submitters have cited clinical-significance assessments for this variant to ClinVar after 2014. One submitter classified the variant as likely benign, and one submitter classified the variant as uncertain significance. Based on the evidence outlined above, the variant was classified as benign.

Mendelics
Classification: Uncertain significance for Thrombophilia due to thrombin defect. Last evaluated: 2023-01-25. Review status: criteria provided, single submitter. Criteria: Mendelics Assertion Criteria 2019. Collection method: clinical testing. Allele origin: germline.

Illumina Laboratory Services, Illumina
Classification: Likely benign for Factor XIII, A subunit, deficiency of. Last evaluated: 2017-04-27. Review status: criteria provided, single submitter. Criteria: ICSL Variant Classification Criteria 13 December 2019. Collection method: clinical testing. Allele origin: germline.
Comment: This variant was observed as part of a predisposition screen in an ostensibly healthy population. A literature search was performed for the gene, cDNA change, and amino acid change (where applicable). Publications were found based on this search. The evidence from the literature, in combination with allele frequency data from public databases where available, was sufficient to determine this variant is unlikely to cause disease. Therefore, this variant is classified as likely benign.

Literature cited by the submitters: PubMed 22995991 (cited by Illumina Laboratory Services, Illumina); PubMed 9531026 (cited by Illumina Laboratory Services, Illumina).